The following is an entry in ClinVar:

NM_152490.5(B3GALNT2):c.779T>A (p.Leu260Ter)

Gene: B3GALNT2 (beta-1,3-N-acetylgalactosaminyltransferase 2; minus strand). Cytogenetic location: 1q42.3.
Variant type: single nucleotide variant.
Coding change: c.779T>A on transcript NM_152490.5 (MANE Select); coding-DNA position 779, T replaced by A.
Protein change: p.Leu260Ter; replaces leucine 260 with a stop codon.
Molecular consequence: nonsense.
Genome position (GRCh38, 1-based): chr1:235,465,698, A>T on the plus strand (T>A on the coding strand, the complement: B3GALNT2 is on the minus strand). VCF-style: chr1-235465698-A-T. GRCh37 (hg19) VCF-style: chr1-235629015-A-T.
Other names: c.902T>A, p.Leu301Ter (NM_001277155.3); short protein forms L260*, L301*.
Identifiers: ClinVar variation 2664171 (VCV002664171.1), dbSNP rs2527200635, ClinGen allele CA344961030.
Genomic context (GRCh38, chr1:235,465,698, plus strand): 5'-TGAATAGTATATATAAAACCACCTGCAACTCCCTCCACACCTTCCAAGAATTCATGAGGC[A>T]ATGCACCCTCCCCAGCCTGAAAGGAATAAGAATGTACTCAGTGATTCATTACTAAAAATA-3'

ClinVar aggregate classification (germline): Likely pathogenic (1 of 4 stars; one submission).

Conditions:
Muscular dystrophy-dystroglycanopathy (congenital with brain and eye anomalies), type a, 11 (MDDGA11). Also called: WALKER-WARBURG SYNDROME OR MUSCLE-EYE-BRAIN DISEASE, B3GALNT2-RELATED; Muscular dystrophy-dystroglycanopathy (congenital with brain and eye anomalies, type A, 11; Congenital muscular dystrophy-dystroglycanopathy with brain and eye anomalies, type A11. Identifiers: Orphanet 588, Orphanet 899, MedGen C3554638, MONDO:0014071, OMIM 615181.

Submission:

Neuberg Centre For Genomic Medicine, NCGM
Classification: Likely pathogenic for Muscular dystrophy-dystroglycanopathy (congenital with brain and eye anomalies), type a, 11. Review status: criteria provided, single submitter. Criteria: ACMG Guidelines, 2015. Collection method: clinical testing. Allele origin: germline. Inheritance: Autosomal recessive inheritance. Affected: yes.
Comment: The stop gain c.779T>A (p.Leu260Ter) variant in B3GALNT2 gene has not been reported previously as a pathogenic variant nor as a benign variant, to our knowledge. The c.779T>A variant is novel (not in any individuals) in both gnomAD Exomes and 1000 Genomes databases. This variant has not been reported to the ClinVar database. The nucleotide change c.779T>A in B3GALNT2 is predicted as conserved by GERP++ and PhyloP across 100 vertebrates. This variant is predicted to cause loss of normal protein function through protein truncation. Loss of function variants have been previously reported to be disease causing. Additional studies will be required to prove the pathogenicity of this variant. For these reasons, this variant has been classified as Likely Pathogenic.